The following is an entry in ClinVar:

ClinVar aggregate classification (germline): Likely benign. Review status: criteria provided, multiple submitters, no conflicts (2 of 4 stars). 2 submissions from 2 submitters: Likely benign (2). Last evaluated 2022-07-26.

Conditions:
Adenylosuccinate lyase deficiency (ADSLD). Also called: ADSL DEFICIENCY. Identifiers: Orphanet 46, MedGen C0268126, MONDO:0007068, OMIM 103050.

gnomAD v4.1: 6 of 1,614,220 alleles (0.00037%); highest among the groups gnomAD compares: East Asian, 0.0067%; no homozygotes.

Submissions (2):

Labcorp Genetics (formerly Invitae), Labcorp
Classification: Likely benign for Adenylosuccinate lyase deficiency. Last evaluated: 2022-07-26. Review status: criteria provided, single submitter. Criteria: Invitae Variant Classification Sherloc (09022015). Collection method: clinical testing. Allele origin: germline.

GeneDx
Classification: Likely benign. Last evaluated: 2018-06-12. Review status: criteria provided, single submitter. Criteria: GeneDx Variant Classification (06012015). Collection method: clinical testing. Allele origin: germline. Affected: yes.
Comment: This variant is considered likely benign or benign based on one or more of the following criteria: it is a conservative change, it occurs at a poorly conserved position in the protein, it is predicted to be benign by multiple in silico algorithms, and/or has population frequency not consistent with disease.

NM_000026.4(ADSL):c.863-11T>C

Gene: ADSL (adenylosuccinate lyase; plus strand). Cytogenetic location: 22q13.1.
Variant type: single nucleotide variant.
Coding change: c.863-11T>C on transcript NM_000026.4 (MANE Select); 11 bases into the intron before coding-DNA position 863, T replaced by C.
Molecular consequence: intron variant.
Genome position (GRCh38, 1-based): chr22:40,361,477, T>C. VCF-style: chr22-40361477-T-C. GRCh37 (hg19) VCF-style: chr22-40757481-T-C.
Other names: c.863-11T>C (NM_001363840.3, NM_001123378.3); c.671-11T>C (NM_001317923.2).
Identifiers: ClinVar variation 669729 (VCV000669729.8), dbSNP rs375532126, ClinGen allele CA915951355.
Genomic context (GRCh38, chr22:40,361,477, plus strand): 5'-GCATGCTTGCCTACTCACTATCCTCTGAAGTCTCTCTGCCTTTGCATCTTGTCCTTTTTT[T>C]ACATGGGCAGGCTCAAGTGCGATGCCATATAAGCGGAATCCCATGCGTTCAGAACGTTGC-3'